The following is an entry in ClinVar:

NM_001256789.3(CACNA1F):c.3049A>G (p.Thr1017Ala)

Gene: CACNA1F (calcium voltage-gated channel subunit alpha1 F; minus strand). Cytogenetic location: Xp11.23.
Variant type: single nucleotide variant.
Coding change: c.3049A>G on transcript NM_001256789.3 (MANE Select); coding-DNA position 3049, A replaced by G.
Protein change: p.Thr1017Ala; replaces threonine 1017 with alanine.
Molecular consequence: missense variant.
Genome position (GRCh38, 1-based): chrX:49,217,795, T>C on the plus strand (A>G on the coding strand, the complement: CACNA1F is on the minus strand). VCF-style: chrX-49217795-T-C. GRCh37 (hg19) VCF-style: chrX-49074254-T-C.
Other names: c.2887A>G, p.Thr963Ala (NM_001256790.3); c.3082A>G, p.Thr1028Ala (NM_005183.4); short protein forms T1017A, T1028A, T963A.
Identifiers: ClinVar variation 4764782 (VCV004764782.1).

ClinVar aggregate classification (germline): Uncertain significance (1 of 4 stars; one submission).

Submission:

Labcorp Genetics (formerly Invitae), Labcorp
Classification: Uncertain significance. Last evaluated: 2025-07-27. Review status: criteria provided, single submitter. Criteria: Invitae Variant Classification Sherloc (09022015). Collection method: clinical testing. Allele origin: germline.
Comment: This sequence change replaces threonine, which is neutral and polar, with alanine, which is neutral and non-polar, at codon 1028 of the CACNA1F protein (p.Thr1028Ala). This variant is not present in population databases (gnomAD no frequency). This variant has not been reported in the literature in individuals affected with CACNA1F-related conditions. Invitae Evidence Modeling of protein sequence and biophysical properties (such as structural, functional, and spatial information, amino acid conservation, physicochemical variation, residue mobility, and thermodynamic stability) indicates that this missense variant is not expected to disrupt CACNA1F protein function with a negative predictive value of 80%. In summary, the available evidence is currently insufficient to determine the role of this variant in disease. Therefore, it has been classified as a Variant of Uncertain Significance.